The following is an entry in ClinVar:

NM_018249.6(CDK5RAP2):c.1899A>C (p.Leu633=)

Gene: CDK5RAP2 (CDK5 regulatory subunit associated protein 2; minus strand). Cytogenetic location: 9q33.2.
Variant type: single nucleotide variant.
Coding change: c.1899A>C on transcript NM_018249.6 (MANE Select); coding-DNA position 1899, A replaced by C.
Protein change: p.Leu633=; no amino-acid change (leucine 633 retained).
Molecular consequence: synonymous variant. On other transcripts: non-coding transcript variant (5).
Genome position (GRCh38, 1-based): chr9:120,470,180, T>G on the plus strand (A>C on the coding strand, the complement: CDK5RAP2 is on the minus strand). VCF-style: chr9-120470180-T-G. GRCh37 (hg19) VCF-style: chr9-123232458-T-G.
Other names: c.1899A>C, p.Leu633= (NM_001011649.3, NM_001410993.1); c.1896A>C, p.Leu632= (NM_001272039.2, NM_001410992.1, NM_001410994.1).
Identifiers: ClinVar variation 3052039 (VCV003052039.3), dbSNP rs778471546, ClinGen allele CA466923220.

ClinVar aggregate classification (germline): Likely benign. Review status: criteria provided, single submitter (1 of 4 stars). 2 submissions from 2 submitters: Likely benign (1). 1 of the submissions does not count toward it. Last evaluated 2025-08-06.

Conditions:
CDK5RAP2-related disorder. Also called: CDK5RAP2-related condition.

gnomAD v4.1: 5 of 1,595,440 alleles (0.00031%); highest among the groups gnomAD compares: Admixed American, 0.0084%; no homozygotes.

Submissions (2):

Labcorp Genetics (formerly Invitae), Labcorp
Classification: Likely benign. Last evaluated: 2025-08-06. Review status: criteria provided, single submitter. Criteria: Invitae Variant Classification Sherloc (09022015). Collection method: clinical testing. Allele origin: germline.

PreventionGenetics, part of Exact Sciences
Classification: Likely benign for CDK5RAP2-related condition. Last evaluated: 2020-01-13. Review status: no assertion criteria provided. Collection method: clinical testing. Allele origin: germline. Not counted in ClinVar's aggregate classification.
Comment: This variant is classified as likely benign based on ACMG/AMP sequence variant interpretation guidelines (Richards et al. 2015 PMID: 25741868, with internal and published modifications).